The following is an entry in ClinVar:

ClinVar aggregate classification (germline): Uncertain significance. Review status: criteria provided, multiple submitters, no conflicts (2 of 4 stars). 5 submissions from 5 submitters: Uncertain significance (4). 1 of the submissions does not count toward it. Last evaluated 2026-02-11.

Conditions:
Thrombocytopenia 2 (THC2). Also called: ANKRD26-Related Thrombocytopenia. Identifiers: Orphanet 268322, MedGen C1861185, MONDO:0008555, OMIM 188000.
ANKRD26-related disorder. Also called: ANKRD26-related condition.

Submissions (5):

St. Jude Molecular Pathology, St. Jude Children's Research Hospital
Classification: Uncertain significance for Thrombocytopenia 2. Last evaluated: 2026-02-11. Review status: criteria provided, single submitter. Criteria: St. Jude Assertion Criteria 2020. Collection method: clinical testing. Allele origin: germline.
Comment: The ANKRD26 c.2329_2332del p.(Leu777SerfsTer14) change deletes 4 nucleotides to cause a frameshift and the creation of a premature stop codon, however the functional significance of this change is currently unknown. This variant has a maximum non-founder subpopulation frequency of 0.008% in gnomAD v2.1.1. To our knowledge, this variant has not been reported in the literature in individuals with ANKRD26-related thrombocytopenia. In summary, the evidence currently available is insufficient to determine the clinical significance of this variant. It has therefore been classified as of uncertain significance.

Labcorp Genetics (formerly Invitae), Labcorp
Classification: Uncertain significance. Last evaluated: 2026-01-22. Review status: criteria provided, single submitter. Criteria: Invitae Variant Classification Sherloc (09022015). Collection method: clinical testing. Allele origin: germline.
Comment: This sequence change creates a premature translational stop signal (p.Leu777Serfs*14) in the ANKRD26 gene. It is expected to result in an absent or disrupted protein product. However, the current clinical and genetic evidence is not sufficient to establish whether loss-of-function variants in ANKRD26 cause disease. This variant is present in population databases (rs778333097, gnomAD 0.01%). This variant has not been reported in the literature in individuals affected with ANKRD26-related conditions. ClinVar contains an entry for this variant (Variation ID: 1691231). In summary, the available evidence is currently insufficient to determine the role of this variant in disease. Therefore, it has been classified as a Variant of Uncertain Significance.

PreventionGenetics, part of Exact Sciences
Classification: Uncertain significance for ANKRD26-related condition. Last evaluated: 2025-09-26. Review status: criteria provided, single submitter. Criteria: ACMG Guidelines, 2015. Collection method: clinical testing. Allele origin: germline.
Comment: The ANKRD26 c.2329_2332delTTAG variant is predicted to result in a frameshift and premature protein termination (p.Leu777Serfs*14). This variant has been reported in a case and control individual in a study of individuals with lung cancer (Table S4, Wang et al. 2022. PubMed ID: 36113475). This variant is reported in 0.0097% of alleles in individuals of Ashkenazi Jewish descent in gnomAD. At this time, the clinical significance of this variant is uncertain due to the absence of conclusive functional and genetic evidence.

Blueprint Genetics
Classification: Uncertain significance. Last evaluated: 2021-08-10. Review status: criteria provided, single submitter. Criteria: ACMG Guidelines, 2015. Collection method: clinical testing. Allele origin: germline.

ISTH-SSC Genomics in Thrombosis and Hemostasis, KU Leuven, Center for Molecular and Vascular Biology
Classification: Likely pathogenic for Thrombocytopenia 2. Review status: no assertion criteria provided. Collection method: research. Allele origin: unknown. Affected: yes. Not counted in ClinVar's aggregate classification.
Comment: Submitted to GoldVariant by Dr Marie-Christine Morel-Kopp from Northern Blood Research Centre, Sydney, Australia

NM_014915.3(ANKRD26):c.2329_2332del (p.Leu777fs)

Gene: ANKRD26 (ankyrin repeat domain 26; minus strand). Cytogenetic location: 10p12.1.
Variant type: Deletion.
Coding change: c.2329_2332del on transcript NM_014915.3 (MANE Select); coding-DNA positions 2329 to 2332, 4 bases deleted (TTAG; older notation c.2329_2332delTTAG).
Protein change: p.Leu777fs; shifts the reading frame from leucine 777.
Molecular consequence: frameshift variant.
Genome position (GRCh38, 1-based): chr10:27,040,008-27,040,011, CTAA deleted on the plus strand (TTAG on the coding strand, the reverse complement: ANKRD26 is on the minus strand); deleting any 4 consecutive bases within chr10:27,040,008-27,040,013 gives the same sequence; the c. name uses the placement nearest the transcript's 3' end. VCF-style (leftmost placement, unchanged base first): chr10-27040007-TCTAA-T. GRCh37 (hg19) VCF-style: chr10-27328936-TCTAA-T.
Other names: c.2329_2332delTTAG (NM_014915.2); c.2326_2329del, p.Leu776fs (NM_001256053.2); short protein forms L776fs, L777fs.
Identifiers: ClinVar variation 1691231 (VCV001691231.7), dbSNP rs778333097, ClinGen allele CA5448251.
Genomic context (GRCh38, chr10:27,040,007, plus strand): 5'-AAAACTAGGCTATCATACCTCAAAGAGCACAGTTCTCGTTCCCATTCAACTTTTTGATGC[TCTAA>T]CTGTGATTTTATTTCTTTTGTTTCAGATAGCTCCCTTTGTAGTACATTAACCTTGTCTTC-3'